The following is an entry in ClinVar:

NM_001351132.2(PEX5):c.552-1G>A

Gene: PEX5 (peroxisomal biogenesis factor 5; plus strand). Cytogenetic location: 12p13.31.
Variant type: single nucleotide variant.
Coding change: c.552-1G>A on transcript NM_001351132.2 (MANE Select); the canonical splice acceptor site of the intron before coding-DNA position 552, G replaced by A.
Molecular consequence: splice acceptor variant.
Genome position (GRCh38, 1-based): chr12:7,201,750, G>A. VCF-style: chr12-7201750-G-A. GRCh37 (hg19) VCF-style: chr12-7354346-G-A.
Other names: c.552-1G>A (NM_001351124.3, NM_001131026.2, NM_001351131.2 and 19 more transcripts); c.597-1G>A (NM_001351135.3, NM_001131023.2, NM_001351138.2).
Identifiers: ClinVar variation 418982 (VCV000418982.7), dbSNP rs1064793563, ClinGen allele CA16619587.

ClinVar aggregate classification (germline): Pathogenic/Likely pathogenic. Review status: criteria provided, multiple submitters, no conflicts (2 of 4 stars). 2 submissions from 2 submitters: Pathogenic (1); Likely pathogenic (1). Last evaluated 2022-03-14.

Conditions:
Peroxisome biogenesis disorder 2B (PBD2B). Identifiers: Orphanet 44, MedGen C3550234, MONDO:0008736, OMIM 202370.

Submissions (2):

Labcorp Genetics (formerly Invitae), Labcorp
Classification: Likely pathogenic for Peroxisome biogenesis disorder 2B. Last evaluated: 2022-03-14. Review status: criteria provided, single submitter. Criteria: Invitae Variant Classification Sherloc (09022015). Collection method: clinical testing. Allele origin: germline.
Comment: ClinVar contains an entry for this variant (Variation ID: 418982). This variant has not been reported in the literature in individuals affected with PEX5-related conditions. This variant is not present in population databases (gnomAD no frequency). This sequence change affects an acceptor splice site in intron 6 of the PEX5 gene. It is expected to disrupt RNA splicing. Variants that disrupt the donor or acceptor splice site typically lead to a loss of protein function (PMID: 16199547), and loss-of-function variants in PEX5 are known to be pathogenic (PMID: 18712838, 21031596). Algorithms developed to predict the effect of sequence changes on RNA splicing suggest that this variant may disrupt the consensus splice site. In summary, the currently available evidence indicates that the variant is pathogenic, but additional data are needed to prove that conclusively. Therefore, this variant has been classified as Likely Pathogenic.

GeneDx
Classification: Pathogenic. Last evaluated: 2015-05-07. Review status: criteria provided, single submitter. Criteria: GeneDx Variant Classification (06012015). Collection method: clinical testing. Allele origin: germline. Affected: yes.
Comment: The c.552-1G>A substitution in the PEX5 gene has not been reported previously as a pathogenic variant nor as a benign polymorphism, to our knowledge. This splice site variant destroys the canonicalsplice acceptor site in intron 6. It is predicted to cause abnormal gene splicing, either leading to anabnormal message that is subject to nonsense-mediated mRNA decay, or to an abnormal protein product ifthe message is used for protein translation. The c.552-1G>A variant was not observed in approximately6,500 individuals of European and African American ancestry in the NHLBI Exome Sequencing Project,indicating it is not a common benign variant in these populations. We interpret c.552-1G>A as a pathogenic variant.

Literature cited by the submitters: PubMed 16199547 (cited by Labcorp Genetics (formerly Invitae), Labcorp); PubMed 18712838 (cited by Labcorp Genetics (formerly Invitae), Labcorp); PubMed 21031596 (cited by Labcorp Genetics (formerly Invitae), Labcorp).